The following is an entry in ClinVar:

ClinVar aggregate classification (germline): Uncertain significance (1 of 4 stars; one submission).

Submission:

Dasa
Classification: Uncertain significance. Last evaluated: 2026-06-18. Review status: criteria provided, single submitter. Criteria: DASA Assertion Criteria. Collection method: clinical testing. Allele origin: germline.
Comment: NM_021224.6(ZNF462):c.3778A>C (p.Thr1260Pro) is a missense variant that results in the substitution of threonine with proline. This variant is rare in population databases. Computational prediction algorithms are consistent with a benign effect. The currently available literature and clinical evidence are not sufficient to establish a definitive association between this variant and the reported condition. Therefore, this variant is classified as a variant of uncertain significance.

NM_021224.6(ZNF462):c.3778A>C (p.Thr1260Pro)

Gene: ZNF462 (zinc finger protein 462; plus strand). Cytogenetic location: 9q31.2.
Variant type: single nucleotide variant.
Coding change: c.3778A>C on transcript NM_021224.6 (MANE Select); coding-DNA position 3778, A replaced by C.
Protein change: p.Thr1260Pro; replaces threonine 1260 with proline.
Molecular consequence: missense variant. On other transcripts: intron variant (1).
Genome position (GRCh38, 1-based): chr9:106,927,690, A>C. VCF-style: chr9-106927690-A-C. GRCh37 (hg19) VCF-style: chr9-109689971-A-C.
Other names: c.3252+526A>C (NM_001347997.2); short protein forms T1260P.
Identifiers: ClinVar variation 5020349 (VCV005020349.1).